The following is an entry in ClinVar:

NM_014727.3(KMT2B):c.5909C>G (p.Pro1970Arg)

Gene: KMT2B (lysine methyltransferase 2B; plus strand). Cytogenetic location: 19q13.12.
Variant type: single nucleotide variant.
Coding change: c.5909C>G on transcript NM_014727.3 (MANE Select); coding-DNA position 5909, C replaced by G.
Protein change: p.Pro1970Arg; replaces proline 1970 with arginine.
Molecular consequence: missense variant.
Genome position (GRCh38, 1-based): chr19:35,732,458, C>G. VCF-style: chr19-35732458-C-G. GRCh37 (hg19) VCF-style: chr19-36223359-C-G.
Other names: short protein forms P1970R.
Identifiers: ClinVar variation 3363292 (VCV003363292.1).

ClinVar aggregate classification (germline): Uncertain significance (1 of 4 stars; one submission).

gnomAD v4.1: 7 of 1,613,892 alleles (0.00043%); highest among the groups gnomAD compares: South Asian, 0.0011%; no homozygotes.

Submission:

GeneDx
Classification: Uncertain significance. Last evaluated: 2023-10-20. Review status: criteria provided, single submitter. Criteria: GeneDx Variant Classification Process June 2021. Collection method: clinical testing. Allele origin: germline. Affected: yes.
Comment: Not observed at significant frequency in large population cohorts (gnomAD); In silico analysis supports that this missense variant does not alter protein structure/function; Has not been previously published as pathogenic or benign to our knowledge